The following is an entry in ClinVar:

ClinVar aggregate classification (germline): Uncertain significance (1 of 4 stars; one submission).

Submission:

Labcorp Genetics (formerly Invitae), Labcorp
Classification: Uncertain significance. Last evaluated: 2022-05-11. Review status: criteria provided, single submitter. Criteria: Invitae Variant Classification Sherloc (09022015). Collection method: clinical testing. Allele origin: germline.
Comment: This sequence change replaces glutamic acid, which is acidic and polar, with glycine, which is neutral and non-polar, at codon 274 of the PGK1 protein (p.Glu274Gly). This variant is not present in population databases (gnomAD no frequency). This variant has not been reported in the literature in individuals affected with PGK1-related conditions. In summary, the available evidence is currently insufficient to determine the role of this variant in disease. Therefore, it has been classified as a Variant of Uncertain Significance. Algorithms developed to predict the effect of missense changes on protein structure and function are either unavailable or do not agree on the potential impact of this missense change (SIFT: "Deleterious"; PolyPhen-2: "Benign"; Align-GVGD: "Class C15").

NM_000291.4(PGK1):c.821A>G (p.Glu274Gly)

Gene: PGK1 (phosphoglycerate kinase 1; plus strand). Cytogenetic location: Xq21.1.
Variant type: single nucleotide variant.
Coding change: c.821A>G on transcript NM_000291.4 (MANE Select); coding-DNA position 821, A replaced by G.
Protein change: p.Glu274Gly; replaces glutamic acid 274 with glycine.
Molecular consequence: missense variant.
Genome position (GRCh38, 1-based): chrX:78,123,259, A>G. VCF-style: chrX-78123259-A-G. GRCh37 (hg19) VCF-style: chrX-77378756-A-G.
Other names: short protein forms E274G.
Identifiers: ClinVar variation 2133171 (VCV002133171.4), dbSNP rs2522502829, ClinGen allele CA413716541.
Genomic context (GRCh38, chrX:78,123,259, plus strand): 5'-GCACTTCTCTGTTTGATGAAGAGGGAGCCAAGATTGTCAAAGACCTAATGTCCAAAGCTG[A>G]GAAGAATGGTGTGAAGATTACCTTGCCTGTTGACTTTGTCACTGCTGACAAGTTTGATGA-3'
Protein context (NP_000282.1, residues 264-284): KIVKDLMSKA[Glu274Gly]KNGVKITLPV